The following is an entry in ClinVar:

NC_000014.8:g.(?_23885203)_(23885531_?)dup

Gene: MYH7 (myosin heavy chain 7; minus strand). Cytogenetic location: 14q11.2.
Variant type: Duplication.
Identifiers: ClinVar variation 1039714 (VCV001039714.2).

ClinVar aggregate classification (germline): Uncertain significance (1 of 4 stars; one submission).

Conditions:
Hypertrophic cardiomyopathy. Also called: HYPERTROPHIC MYOCARDIOPATHY. Identifiers: Orphanet 217569, MedGen C0007194, MeSH D002312, MONDO:0005045, HP:0001639.

Submission:

Labcorp Genetics (formerly Invitae), Labcorp
Classification: Uncertain significance for Hypertrophic cardiomyopathy. Last evaluated: 2022-07-19. Review status: criteria provided, single submitter. Criteria: Invitae Variant Classification Sherloc (09022015). Collection method: clinical testing. Allele origin: germline.
Comment: This variant results in a copy number gain of the genomic region encompassing exon(s) 34 of the MYH7 gene. While the exact position of this variant cannot be determined from the data, sub-genic copy number gains are generally in tandem (PMID: 25640679). This variant is predicted to be in-frame, and likely preserves the integrity of the reading frame. This variant has not been reported in the literature in individuals affected with MYH7-related conditions. Experimental studies and prediction algorithms are not available or were not evaluated, and the functional significance of this variant is currently unknown. In summary, the available evidence is currently insufficient to determine the role of this variant in disease. Therefore, it has been classified as a Variant of Uncertain Significance.

Literature cited by the submitters: PubMed 25640679.